The following is an entry in ClinVar:

ClinVar aggregate classification (germline): Pathogenic (1 of 4 stars; one submission).

Conditions:
Cardiovascular phenotype. Identifiers: MedGen CN230736.

Submission:

Ambry Genetics
Classification: Pathogenic for Cardiovascular phenotype. Last evaluated: 2026-04-14. Review status: criteria provided, single submitter. Criteria: Ambry Variant Classification Scheme 2023. Collection method: clinical testing. Allele origin: germline.
Comment: The p.Q3595* pathogenic mutation (also known as c.10783C>T), located in coding exon 26 of the APOB gene, results from a C to T substitution at nucleotide position 10783. This changes the amino acid from a glutamine to a stop codon within coding exon 26. This variant is considered to be rare based on population cohorts in the Genome Aggregation Database (gnomAD). This alteration is expected to result in loss of function by premature protein truncation or nonsense-mediated mRNA decay. Although biallelic loss of function of APOB has been associated with autosomal recessive hypobetalipoproteinemia, haploinsufficiency of APOB is not a mechanism of disease for autosomal dominant familial hypercholesterolemia. Based on the supporting evidence, this variant is expected to be causative of autosomal recessive hypobetalipoproteinemia when present along with a second pathogenic variant on the other allele; however, it is unlikely to be causative of autosomal dominant familial hypercholesterolemia.

NM_000384.3(APOB):c.10783C>T (p.Gln3595Ter)

Gene: APOB (apolipoprotein B; minus strand). Cytogenetic location: 2p24.1.
Variant type: single nucleotide variant.
Coding change: c.10783C>T on transcript NM_000384.3 (MANE Select); coding-DNA position 10783, C replaced by T.
Protein change: p.Gln3595Ter; replaces glutamine 3595 with a stop codon.
Molecular consequence: nonsense.
Genome position (GRCh38, 1-based): chr2:21,006,085, G>A on the plus strand (C>T on the coding strand, the complement: APOB is on the minus strand). VCF-style: chr2-21006085-G-A. GRCh37 (hg19) VCF-style: chr2-21228957-G-A.
Other names: short protein forms Q3595*.
Identifiers: ClinVar variation 4862565 (VCV004862565.1).